The following is an entry in ClinVar:

NM_003721.4(RFXANK):c.332G>A (p.Arg111Gln)

Gene: RFXANK (regulatory factor X associated ankyrin containing protein; plus strand). Cytogenetic location: 19p13.11.
Variant type: single nucleotide variant.
Coding change: c.332G>A on transcript NM_003721.4 (MANE Select); coding-DNA position 332, G replaced by A.
Protein change: p.Arg111Gln; replaces arginine 111 with glutamine.
Molecular consequence: missense variant. On other transcripts: intron variant (4).
Genome position (GRCh38, 1-based): chr19:19,197,246, G>A. VCF-style: chr19-19197246-G-A. GRCh37 (hg19) VCF-style: chr19-19308055-G-A.
Other names: c.332G>A (NM_003721.2); c.332G>A, p.Arg111Gln (NM_001370233.1, NM_001370238.1); c.329G>A, p.Arg110Gln (NM_001370235.1, NM_001370236.1, NM_001370237.1); c.271+200G>A (NM_001278727.2, NM_001370234.1); c.268+200G>A (NM_134440.3, NM_001278728.2); short protein forms R111Q, R110Q.
Identifiers: ClinVar variation 538586 (VCV000538586.11), dbSNP rs752109217, ClinGen allele CA9322681.

ClinVar aggregate classification (germline): Uncertain significance. Review status: criteria provided, multiple submitters, no conflicts (2 of 4 stars). 3 submissions from 3 submitters: Uncertain significance (3). Last evaluated 2022-11-17.

Conditions:
MHC class II deficiency. Also called: Bare lymphocyte syndrome 2; BLS, TYPE II. Identifiers: Orphanet 572, MedGen C5447452, MONDO:0008855.
MHC class II deficiency 1 (MHC2D1). Also called: SCID, HLA CLASS II-NEGATIVE; Bare lymphocyte syndrome type 2, complementation group A; BARE LYMPHOCYTE SYNDROME, TYPE II, COMPLEMENTATION GROUP A. Identifiers: MedGen C1859534, MONDO:0971005, OMIM 209920.
Inborn genetic diseases. Identifiers: MedGen C0950123, MeSH D030342.

Allele frequency attached by ClinVar (database versions not stated): gnomAD exomes 0.00004; ExAC 0.00005; gnomAD 0.00009 and 0.00011; TOPMed 0.00010.
gnomAD v4.1: 74 of 1,612,730 alleles (0.0046%); highest among the groups gnomAD compares: Admixed American, 0.015%; no homozygotes.

Submissions (3):

Ambry Genetics
Classification: Uncertain significance for Inborn genetic diseases. Last evaluated: 2022-11-17. Review status: criteria provided, single submitter. Criteria: Ambry Variant Classification Scheme 2023. Collection method: clinical testing. Allele origin: germline.

Labcorp Genetics (formerly Invitae), Labcorp
Classification: Uncertain significance for MHC class II deficiency. Last evaluated: 2022-09-07. Review status: criteria provided, single submitter. Criteria: Invitae Variant Classification Sherloc (09022015). Collection method: clinical testing. Allele origin: germline.
Comment: This sequence change replaces arginine, which is basic and polar, with glutamine, which is neutral and polar, at codon 111 of the RFXANK protein (p.Arg111Gln). This variant is present in population databases (rs752109217, gnomAD 0.01%). This variant has not been reported in the literature in individuals affected with RFXANK-related conditions. ClinVar contains an entry for this variant (Variation ID: 538586). Algorithms developed to predict the effect of missense changes on protein structure and function (SIFT, PolyPhen-2, Align-GVGD) all suggest that this variant is likely to be tolerated. In summary, the available evidence is currently insufficient to determine the role of this variant in disease. Therefore, it has been classified as a Variant of Uncertain Significance.

Revvity Omics, Revvity
Classification: Uncertain significance for MHC class II deficiency 1. Last evaluated: 2019-11-18. Review status: criteria provided, single submitter. Criteria: ACMG Guidelines, 2015. Collection method: clinical testing. Allele origin: germline.